The following is an entry in ClinVar:

ClinVar aggregate classification (germline): Likely benign. Review status: criteria provided, single submitter (1 of 4 stars). 2 submissions from 2 submitters: Likely benign (1). 1 of the submissions does not count toward it. Last evaluated 2025-04-09.

Conditions:
FGFR3-related disorder. Also called: FGFR3-related disorders.

Allele frequency attached by ClinVar (database versions not stated): ESP Exome Variant Server 0.00015; gnomAD exomes 0.00003 and 0.00008; ExAC 0.00005; gnomAD 0.00008 and 0.00010; TOPMed 0.00007.
gnomAD v4.1: 130 of 1,611,656 alleles (0.0081%); highest among the groups gnomAD compares: Non-Finnish European, 0.011%; no homozygotes.

Submissions (2):

Labcorp Genetics (formerly Invitae), Labcorp
Classification: Likely benign. Last evaluated: 2025-04-09. Review status: criteria provided, single submitter. Criteria: Invitae Variant Classification Sherloc (09022015). Collection method: clinical testing. Allele origin: germline.

PreventionGenetics, part of Exact Sciences
Classification: Likely benign for FGFR3-related condition. Last evaluated: 2019-05-28. Review status: no assertion criteria provided. Collection method: clinical testing. Allele origin: germline. Not counted in ClinVar's aggregate classification.
Comment: This variant is classified as likely benign based on ACMG/AMP sequence variant interpretation guidelines (Richards et al. 2015 PMID: 25741868, with internal and published modifications).

NM_000142.5(FGFR3):c.2217C>G (p.Pro739=)

Gene: FGFR3 (fibroblast growth factor receptor 3; plus strand). Cytogenetic location: 4p16.3.
Variant type: single nucleotide variant.
Coding change: c.2217C>G on transcript NM_000142.5 (MANE Select); coding-DNA position 2217, C replaced by G.
Protein change: p.Pro739=; no amino-acid change (proline 739 retained).
Molecular consequence: synonymous variant. On other transcripts: missense variant (1), non-coding transcript variant (1).
Genome position (GRCh38, 1-based): chr4:1,806,877, C>G. VCF-style: chr4-1806877-C-G. GRCh37 (hg19) VCF-style: chr4-1808604-C-G.
Other names: c.2149C>G (NM_001354810.1); c.2223C>G, p.Pro741= (NM_001163213.2); c.2220C>G, p.Pro740= (NM_001354809.2); c.2149C>G, p.His717Asp (NM_001354810.2); c.1881C>G, p.Pro627= (NM_022965.4); short protein forms H717D.
Identifiers: ClinVar variation 1680132 (VCV001680132.10), dbSNP rs377293519, ClinGen allele CA2810778.